The following is an entry in ClinVar:

ClinVar aggregate classification (germline): Uncertain significance (1 of 4 stars; one submission).

Submission:

Labcorp Genetics (formerly Invitae), Labcorp
Classification: Uncertain significance. Last evaluated: 2025-04-17. Review status: criteria provided, single submitter. Criteria: Invitae Variant Classification Sherloc (09022015). Collection method: clinical testing. Allele origin: germline.
Comment: This sequence change creates a premature translational stop signal (p.Ile564Serfs*29) in the ADGRE2 gene. It is expected to result in an absent or disrupted protein product. However, the current clinical and genetic evidence is not sufficient to establish whether loss-of-function variants in ADGRE2 cause disease. This variant is present in population databases (rs778412618, gnomAD 0.007%). This variant has not been reported in the literature in individuals affected with ADGRE2-related conditions. In summary, the available evidence is currently insufficient to determine the role of this variant in disease. Therefore, it has been classified as a Variant of Uncertain Significance.

NM_013447.4(ADGRE2):c.1687_1690dup (p.Ile564fs)

Gene: ADGRE2 (adhesion G protein-coupled receptor E2; minus strand). Cytogenetic location: 19p13.12.
Variant type: Duplication.
Coding change: c.1687_1690dup on transcript NM_013447.4 (MANE Select); coding-DNA positions 1687 to 1690, 4 bases duplicated (GCCA; older notation c.1687_1690dupGCCA).
Protein change: p.Ile564fs; shifts the reading frame from isoleucine 564.
Molecular consequence: frameshift variant.
Genome position (GRCh38, 1-based): chr19:14,752,427-14,752,430, TGGC duplicated on the plus strand (GCCA on the coding strand, the reverse complement: ADGRE2 is on the minus strand); duplicating any 4 consecutive bases within chr19:14,752,427-14,752,431 gives the same sequence; the c. name uses the placement nearest the transcript's 3' end. VCF-style (leftmost placement, unchanged base first): chr19-14752426-A-ATGGC. GRCh37 (hg19) VCF-style: chr19-14863238-A-ATGGC.
Other names: c.1513_1516dup, p.Ile506fs (NM_001271052.1); c.1540_1543dup, p.Ile515fs (NM_152916.2); c.1408_1411dup, p.Ile471fs (NM_152917.2); short protein forms I471fs, I564fs, I506fs, I515fs.
Identifiers: ClinVar variation 4760201 (VCV004760201.1).
Genomic context (GRCh38, chr19:14,752,426, plus strand): 5'-AGGTGGGCCAGGAAGAGGCAGAGCGAGAGCTGCAGATGCAGTGAGGTGCTGGTGTTCTGG[A>ATGGC]TGGCTTTACACAGGAGAAAAGTGAGGGCCGCCAGGAGGAGGCACAGCAGAGAGACGCTCA-3'